The following is an entry in ClinVar:

ClinVar aggregate classification (germline): Likely benign (1 of 4 stars; one submission).

gnomAD v4.1: 55 of 974,462 alleles (0.0056%); highest among the groups gnomAD compares: Non-Finnish European, 0.0067%; no homozygotes.

Submission:

CeGaT Center for Human Genetics Tuebingen
Classification: Likely benign. Last evaluated: 2024-10-01. Review status: criteria provided, single submitter. Criteria: CeGaT Center For Human Genetics Tuebingen Variant Classification Criteria Version 2. Collection method: clinical testing. Allele origin: germline. Affected: yes. Observed: 1 variant allele.
Comment: UBE2A: BS2

NM_003336.4(UBE2A):c.-119C>T

Gene: UBE2A (ubiquitin conjugating enzyme E2 A; plus strand). Cytogenetic location: Xq24.
Variant type: single nucleotide variant.
Coding change: c.-119C>T on transcript NM_003336.4 (MANE Select); 119 bases upstream of the start codon, C replaced by T.
Molecular consequence: 5 prime UTR variant.
Genome position (GRCh38, 1-based): chrX:119,574,593, C>T. VCF-style: chrX-119574593-C-T. GRCh37 (hg19) VCF-style: chrX-118708556-C-T.
Other names: c.-211C>T (NM_001282161.2); c.-119C>T (NM_181762.3).
Identifiers: ClinVar variation 3389471 (VCV003389471.14).